The following is an entry in ClinVar:

NM_020376.4(PNPLA2):c.421-17C>T

Gene: PNPLA2 (patatin like domain 2, triacylglycerol lipase; plus strand). Cytogenetic location: 11p15.5.
Variant type: single nucleotide variant.
Coding change: c.421-17C>T on transcript NM_020376.4 (MANE Select); 17 bases into the intron before coding-DNA position 421, C replaced by T.
Molecular consequence: intron variant.
Genome position (GRCh38, 1-based): chr11:821,941, C>T. VCF-style: chr11-821941-C-T. GRCh37 (hg19) VCF-style: chr11-821941-C-T.
Other names: p.?.
Identifiers: ClinVar variation 1643828 (VCV001643828.9), dbSNP rs111872081, ClinGen allele CA5790992.

ClinVar aggregate classification (germline): Likely benign. Review status: criteria provided, multiple submitters, no conflicts (2 of 4 stars). 2 submissions from 2 submitters: Likely benign (2). Last evaluated 2025-07-15.

Conditions:
Neutral lipid storage myopathy (NLSDM). Also called: NEUTRAL LIPID STORAGE DISEASE WITHOUT ICHTHYOSIS. Identifiers: Orphanet 98908, MedGen C1853136, MONDO:0012545, OMIM 610717.

Allele frequency attached by ClinVar (database versions not stated): gnomAD exomes below 0.00001 and 0.00001; gnomAD 0.00001 and 0.00003; ExAC 0.00002; TOPMed 0.00002; 1000 Genomes Project 30x 0.00016; 1000 Genomes Project 0.00020.
gnomAD v4.1: 58 of 1,613,804 alleles (0.0036%); highest among the groups gnomAD compares: African/African-American, 0.032%; 1 homozygote.

Submissions (2):

Mayo Clinic Laboratories, Mayo Clinic
Classification: Likely benign. Last evaluated: 2025-07-15. Review status: criteria provided, single submitter. Criteria: ACMG Guidelines, 2015. Collection method: clinical testing. Allele origin: germline. Observed: 1 variant allele.
Comment: BP4, BP7, PM2_supporting

Labcorp Genetics (formerly Invitae), Labcorp
Classification: Likely benign for Neutral lipid storage myopathy. Last evaluated: 2024-12-04. Review status: criteria provided, single submitter. Criteria: Invitae Variant Classification Sherloc (09022015). Collection method: clinical testing. Allele origin: germline.